The following is an entry in ClinVar:

NM_001164508.2(NEB):c.25209dup (p.Gly8404fs)

Genes: NEB (nebulin; minus strand), RIF1 (replication timing regulatory factor 1; plus strand). Cytogenetic location: 2q23.3.
Variant type: Duplication.
Coding change: c.25209dup on transcript NM_001164508.2 (MANE Select); coding-DNA position 25209, one base duplicated (T; older notation c.25209dupT).
Protein change: p.Gly8404fs; shifts the reading frame from glycine 8404.
Molecular consequence: frameshift variant.
Genome position (GRCh38, 1-based): chr2:151,490,460, A duplicated on the plus strand (T on the coding strand, the reverse complement: NEB is on the minus strand). VCF-style (leftmost placement, unchanged base first): chr2-151490459-C-CA. GRCh37 (hg19) VCF-style: chr2-152346973-C-CA.
Other names: c.25209dup, p.Gly8404fs (NM_001164507.2); c.25314dup, p.Gly8439fs (NM_001271208.2); c.19641dup, p.Gly6548fs (NM_004543.5); short protein forms G6548fs, G8404fs, G8439fs.
Identifiers: ClinVar variation 1451265 (VCV001451265.6), dbSNP rs2152777457, ClinGen allele CA2573133028.

ClinVar aggregate classification (germline): Pathogenic (1 of 4 stars; one submission).

Conditions:
Nemaline myopathy 2 (NEM2). Also called: Nemaline myopathy 2, autosomal recessive. Identifiers: MedGen C1850569, MONDO:0009725, OMIM 256030.

Submission:

Labcorp Genetics (formerly Invitae), Labcorp
Classification: Pathogenic for Nemaline myopathy 2. Last evaluated: 2021-06-16. Review status: criteria provided, single submitter. Criteria: Invitae Variant Classification Sherloc (09022015). Collection method: clinical testing. Allele origin: germline.
Comment: This variant is not present in population databases (ExAC no frequency). This variant has not been reported in the literature in individuals with NEB-related conditions. For these reasons, this variant has been classified as Pathogenic. This sequence change creates a premature translational stop signal (p.Gly8439Trpfs*3) in the NEB gene. It is expected to result in an absent or disrupted protein product. Loss-of-function variants in NEB are known to be pathogenic (PMID: 25205138).

Literature cited by the submitters: PubMed 25205138.